The following is an entry in ClinVar:

ClinVar aggregate classification (germline): Likely benign (1 of 4 stars; one submission).

gnomAD v4.1: 336 of 1,614,116 alleles (0.021%); highest among the groups gnomAD compares: Middle Eastern, 0.099%; no homozygotes.

Submission:

CeGaT Center for Human Genetics Tuebingen
Classification: Likely benign. Last evaluated: 2026-06-01. Review status: criteria provided, single submitter. Criteria: CeGaT Center For Human Genetics Tuebingen Variant Classification Criteria Version 2. Collection method: clinical testing. Allele origin: germline. Affected: yes. Observed: 1 variant allele.
Comment: RFC1: BP4, BP7

NM_002913.5(RFC1):c.2670C>T (p.His890=)

Gene: RFC1 (replication factor C subunit 1; minus strand). Cytogenetic location: 4p14.
Variant type: single nucleotide variant.
Coding change: c.2670C>T on transcript NM_002913.5 (MANE Select); coding-DNA position 2670, C replaced by T.
Protein change: p.His890=; no amino-acid change (histidine 890 retained).
Molecular consequence: synonymous variant.
Genome position (GRCh38, 1-based): chr4:39,300,280, G>A on the plus strand (C>T on the coding strand, the complement: RFC1 is on the minus strand). VCF-style: chr4-39300280-G-A. GRCh37 (hg19) VCF-style: chr4-39301900-G-A.
Other names: c.2673C>T, p.His891= (NM_001204747.2); c.2592C>T, p.His864= (NM_001363495.2); c.2595C>T, p.His865= (NM_001363496.2).
Identifiers: ClinVar variation 4871961 (VCV004871961.2).